The following is an entry in ClinVar:

ClinVar aggregate classification (germline): Uncertain significance (1 of 4 stars; one submission).

gnomAD v4.1: 1 of 1,613,010 alleles (0.000062%); highest among the groups gnomAD compares: Non-Finnish European, 0.000085%; no homozygotes.

Submission:

Labcorp Genetics (formerly Invitae), Labcorp
Classification: Uncertain significance. Last evaluated: 2025-06-24. Review status: criteria provided, single submitter. Criteria: Invitae Variant Classification Sherloc (09022015). Collection method: clinical testing. Allele origin: germline.
Comment: This sequence change replaces asparagine, which is neutral and polar, with threonine, which is neutral and polar, at codon 687 of the CDH2 protein (p.Asn687Thr). This variant is not present in population databases (gnomAD no frequency). This variant has not been reported in the literature in individuals affected with CDH2-related conditions. An algorithm developed to predict the effect of missense changes on protein structure and function (PolyPhen-2) suggests that this variant is likely to be disruptive. In summary, the available evidence is currently insufficient to determine the role of this variant in disease. Therefore, it has been classified as a Variant of Uncertain Significance.

NM_001792.5(CDH2):c.2060A>C (p.Asn687Thr)

Gene: CDH2 (cadherin 2; minus strand). Cytogenetic location: 18q12.1.
Variant type: single nucleotide variant.
Coding change: c.2060A>C on transcript NM_001792.5 (MANE Select); coding-DNA position 2060, A replaced by C.
Protein change: p.Asn687Thr; replaces asparagine 687 with threonine.
Molecular consequence: missense variant.
Genome position (GRCh38, 1-based): chr18:27,985,149, T>G on the plus strand (A>C on the coding strand, the complement: CDH2 is on the minus strand). VCF-style: chr18-27985149-T-G. GRCh37 (hg19) VCF-style: chr18-25565113-T-G.
Other names: c.1967A>C, p.Asn656Thr (NM_001308176.2); short protein forms N656T, N687T.
Identifiers: ClinVar variation 4699978 (VCV004699978.1).
Genomic context (GRCh38, chr18:27,985,149, plus strand): 5'-CCGTTGGAGTCACACTGGCAAACCTTCACACGCAGGATGGAAATATTTGATTTGGGAGGA[T>G]TACCCGAATCTGTGATTATGATGGGAACTTCATAGATACCAGCTTCAAGAAATTTTATCT-3'
Protein context (NP_001783.2, residues 677-697): EVPIIITDSG[Asn687Thr]PPKSNISILR